The following is an entry in ClinVar:

ClinVar aggregate classification (germline): Likely benign (1 of 4 stars; one submission).

Allele frequency attached by ClinVar (database versions not stated): TOPMed 0.00054; gnomAD exomes 0.00057 and 0.00083; gnomAD 0.00058 and 0.00061; ExAC 0.00082; ESP Exome Variant Server 0.00092.
gnomAD v4.1: 921 of 1,612,136 alleles (0.057%); highest among the groups gnomAD compares: Non-Finnish European, 0.053%; 1 homozygote.

Submission:

CeGaT Center for Human Genetics Tuebingen
Classification: Likely benign. Last evaluated: 2024-01-01. Review status: criteria provided, single submitter. Criteria: CeGaT Center For Human Genetics Tuebingen Variant Classification Criteria Version 2. Collection method: clinical testing. Allele origin: germline. Affected: yes. Observed: 6 variant alleles.
Comment: QRICH1: BP4, BP7

NM_198880.3(QRICH1):c.1998G>A (p.Thr666=)

Gene: QRICH1 (glutamine rich 1; minus strand). Cytogenetic location: 3p21.31.
Variant type: single nucleotide variant.
Coding change: c.1998G>A on transcript NM_198880.3 (MANE Select); coding-DNA position 1998, G replaced by A.
Protein change: p.Thr666=; no amino-acid change (threonine 666 retained).
Molecular consequence: synonymous variant.
Genome position (GRCh38, 1-based): chr3:49,032,671, C>T on the plus strand (G>A on the coding strand, the complement: QRICH1 is on the minus strand). VCF-style: chr3-49032671-C-T. GRCh37 (hg19) VCF-style: chr3-49070104-C-T.
Other names: c.1998G>A, p.Thr666= (NM_001320580.2, NM_001320581.2, NM_001320582.2 and 4 more transcripts).
Identifiers: ClinVar variation 1675920 (VCV001675920.33), dbSNP rs148698795, ClinGen allele CA2391027.